The following is an entry in ClinVar:

ClinVar aggregate classification (germline): Uncertain significance (1 of 4 stars; one submission).

Conditions:
Familial adenomatous polyposis 1 (FAP1). Also called: POLYPOSIS, ADENOMATOUS INTESTINAL; FAMILIAL ADENOMATOUS POLYPOSIS 1, ATTENUATED. Identifiers: MedGen C2713442, MONDO:0021056, OMIM 175100. Disease mechanism: loss of function.

Submission:

Labcorp Genetics (formerly Invitae), Labcorp
Classification: Uncertain significance for Familial adenomatous polyposis 1. Last evaluated: 2019-12-04. Review status: criteria provided, single submitter. Criteria: Invitae Variant Classification Sherloc (09022015). Collection method: clinical testing. Allele origin: germline.
Comment: This variant results in a copy number gain of the genomic region encompassing exons 2-5 of the APC gene. The 5' end of this event is likely confined to intron 1 of the APC gene, but not affecting promoters 1A and 1B. The 3' boundary is likely confined to intron 5 of the APC gene. While the exact position of this variant cannot be determined from this data, sub-genic copy number gains are generally in tandem (PMID: 25640679). Similar copy number gains involving exons 2-4, 2-6, 2-8, and 2-11 have been observed in individuals with clinical features consistent with familial adenomatous polyposis (FAP) or attenuated FAP (AFAP) (PMID: 18406876, 23561487, Invitae). However, this particular gain of exons 2-5 has been observed in one or more individuals who were not affected with clinical features of FAP or AFAP (Invitae). In summary, the available evidence is currently insufficient to determine the role of this variant in disease. Therefore, it has been classified as a Variant of Uncertain Significance.

Literature cited by the submitters: PubMed 23561487; PubMed 18406876.

NC_000005.10:g.(?_112754891)_(112775747_?)dup

Gene: APC (APC regulator of Wnt signaling pathway; plus strand). Cytogenetic location: 5q22.2.
Variant type: Duplication.
Identifiers: ClinVar variation 832369 (VCV000832369.2).